The following is an entry in ClinVar:

ClinVar aggregate classification (germline): Uncertain significance (1 of 4 stars; one submission).

Submission:

Labcorp Genetics (formerly Invitae), Labcorp
Classification: Uncertain significance. Last evaluated: 2022-07-12. Review status: criteria provided, single submitter. Criteria: Invitae Variant Classification Sherloc (09022015). Collection method: clinical testing. Allele origin: germline.
Comment: This sequence change replaces glycine, which is neutral and non-polar, with aspartic acid, which is acidic and polar, at codon 305 of the RARS2 protein (p.Gly305Asp). This variant is not present in population databases (gnomAD no frequency). This variant has not been reported in the literature in individuals affected with RARS2-related conditions. Advanced modeling of protein sequence and biophysical properties (such as structural, functional, and spatial information, amino acid conservation, physicochemical variation, residue mobility, and thermodynamic stability) performed at Invitae indicates that this missense variant is not expected to disrupt RARS2 protein function. In summary, the available evidence is currently insufficient to determine the role of this variant in disease. Therefore, it has been classified as a Variant of Uncertain Significance.

NM_020320.5(RARS2):c.914G>A (p.Gly305Asp)

Gene: RARS2 (arginyl-tRNA synthetase 2, mitochondrial; minus strand). Cytogenetic location: 6q15.
Variant type: single nucleotide variant.
Coding change: c.914G>A on transcript NM_020320.5 (MANE Select); coding-DNA position 914, G replaced by A.
Protein change: p.Gly305Asp; replaces glycine 305 with aspartic acid.
Molecular consequence: missense variant. On other transcripts: non-coding transcript variant (23).
Genome position (GRCh38, 1-based): chr6:87,524,617, C>T on the plus strand (G>A on the coding strand, the complement: RARS2 is on the minus strand). VCF-style: chr6-87524617-C-T. GRCh37 (hg19) VCF-style: chr6-88234335-C-T.
Other names: c.389G>A, p.Gly130Asp (NM_001318785.2, NM_001350506.2, NM_001350507.2 and 4 more transcripts); c.914G>A, p.Gly305Asp (NM_001350505.2); short protein forms G305D, G130D.
Identifiers: ClinVar variation 1956922 (VCV001956922.2), dbSNP rs2483366947, ClinGen allele CA364926995.